The following is an entry in ClinVar:

ClinVar aggregate classification (germline): Likely benign (0 of 4 stars; one submission).

Conditions:
SPTBN4-related disorder. Also called: SPTBN4-related condition.

Allele frequency attached by ClinVar (database versions not stated): gnomAD 0.00001; ExAC 0.00002; gnomAD exomes 0.00004; TOPMed 0.00004; ESP Exome Variant Server 0.00008.
gnomAD v4.1: 60 of 1,610,980 alleles (0.0037%); highest among the groups gnomAD compares: Non-Finnish European, 0.0051%; no homozygotes.

Submission:

PreventionGenetics, part of Exact Sciences
Classification: Likely benign for SPTBN4-related condition. Last evaluated: 2019-06-27. Review status: no assertion criteria provided. Collection method: clinical testing. Allele origin: germline.
Comment: This variant is classified as likely benign based on ACMG/AMP sequence variant interpretation guidelines (Richards et al. 2015 PMID: 25741868, with internal and published modifications).

NM_020971.3(SPTBN4):c.5097C>T (p.Ser1699=)

Gene: SPTBN4 (spectrin beta, non-erythrocytic 4; plus strand). Cytogenetic location: 19q13.2.
Variant type: single nucleotide variant.
Coding change: c.5097C>T on transcript NM_020971.3 (MANE Select); coding-DNA position 5097, C replaced by T.
Protein change: p.Ser1699=; no amino-acid change (serine 1699 retained).
Molecular consequence: synonymous variant.
Genome position (GRCh38, 1-based): chr19:40,556,096, C>T. VCF-style: chr19-40556096-C-T. GRCh37 (hg19) VCF-style: chr19-41062002-C-T.
Other names: c.1125C>T, p.Ser375= (NM_025213.3).
Identifiers: ClinVar variation 3042591 (VCV003042591.2), dbSNP rs138922303, ClinGen allele CA9446392.